The following is an entry in ClinVar:

ClinVar aggregate classification (germline): Benign/Likely benign. Review status: criteria provided, multiple submitters, no conflicts (2 of 4 stars). 2 submissions from 2 submitters: Benign (1); Likely benign (1). Last evaluated 2026-01-28.

Allele frequency attached by ClinVar (database versions not stated): gnomAD exomes 0.00017 and 0.00043; ExAC 0.00067; ESP Exome Variant Server 0.00115; gnomAD 0.00156 and 0.00171; 1000 Genomes Project 30x 0.00172; 1000 Genomes Project 0.00180; TOPMed 0.00202.
gnomAD v4.1: 468 of 1,442,942 alleles (0.032%); highest among the groups gnomAD compares: African/African-American, 0.57%; 5 homozygotes.

Submissions (2):

Labcorp Genetics (formerly Invitae), Labcorp
Classification: Benign. Last evaluated: 2026-01-28. Review status: criteria provided, single submitter. Criteria: Invitae Variant Classification Sherloc (09022015). Collection method: clinical testing. Allele origin: germline.

GeneDx
Classification: Likely benign. Last evaluated: 2018-01-04. Review status: criteria provided, single submitter. Criteria: GeneDx Variant Classification (06012015). Collection method: clinical testing. Allele origin: germline. Affected: yes.
Comment: This variant is considered likely benign or benign based on one or more of the following criteria: it is a conservative change, it occurs at a poorly conserved position in the protein, it is predicted to be benign by multiple in silico algorithms, and/or has population frequency not consistent with disease.

NM_001374385.1(ATP8B1):c.1029+19A>C

Genes: ATP8B1 (ATPase phospholipid transporting 8B1; minus strand), LOC126862761 (CDK7 strongly-dependent group 2 enhancer GRCh37_chr18:55360919-55362118; plus strand). Cytogenetic location: 18q21.31.
Variant type: single nucleotide variant.
Coding change: c.1029+19A>C on transcript NM_001374385.1 (MANE Select); 19 bases into the intron after coding-DNA position 1029, A replaced by C.
Molecular consequence: intron variant.
Genome position (GRCh38, 1-based): chr18:57,694,563, T>G on the plus strand (A>C on the coding strand, the complement: ATP8B1 is on the minus strand). VCF-style: chr18-57694563-T-G. GRCh37 (hg19) VCF-style: chr18-55361795-T-G.
Other names: c.1029+19A>C (NM_005603.6); c.879+19A>C (NM_001374386.1).
Identifiers: ClinVar variation 384899 (VCV000384899.4), dbSNP rs148657203, ClinGen allele CA8974677.